The following is an entry in ClinVar:

NM_000179.3(MSH6):c.628-3C>T

Gene: MSH6 (mutS homolog 6; plus strand). Cytogenetic location: 2p16.3.
Variant type: single nucleotide variant.
Coding change: c.628-3C>T on transcript NM_000179.3 (MANE Select); 3 bases into the intron before coding-DNA position 628, C replaced by T.
Molecular consequence: intron variant.
Genome position (GRCh38, 1-based): chr2:47,798,608, C>T. VCF-style: chr2-47798608-C-T. GRCh37 (hg19) VCF-style: chr2-48025747-C-T.
Other names: c.-279-3C>T (NM_001281493.2); c.238-3C>T (NM_001281492.2); c.-275-7C>T (NM_001281494.2).
Identifiers: ClinVar variation 653301 (VCV000653301.14), dbSNP rs3136332, ClinGen allele CA46706475.

ClinVar aggregate classification (germline): Likely benign. Review status: criteria provided, multiple submitters, no conflicts (2 of 4 stars). 3 submissions from 3 submitters: Likely benign (3). Last evaluated 2025-04-28.

Conditions:
Hereditary nonpolyposis colorectal neoplasms. Identifiers: MedGen C0009405, MeSH D003123.
Lynch syndrome. Identifiers: Orphanet 144, MedGen C4552100, MONDO:0005835. Disease mechanism: loss of function.
Hereditary cancer-predisposing syndrome. Also called: Neoplastic Syndromes, Hereditary; Tumor predisposition; Hereditary Cancer Syndrome; Hereditary neoplastic syndrome. Identifiers: Orphanet 140162, MedGen C0027672, MeSH D009386, MONDO:0015356.

Allele frequency attached by ClinVar (database versions not stated): gnomAD exomes below 0.00001; gnomAD 0.00001; TOPMed 0.00002; ESP Exome Variant Server 0.00008.
gnomAD v4.1: 3 of 1,608,888 alleles (0.00019%); highest among the groups gnomAD compares: African/African-American, 0.0027%; no homozygotes.

Submissions (3):

Labcorp Genetics (formerly Invitae), Labcorp
Classification: Likely benign for Hereditary nonpolyposis colorectal neoplasms. Last evaluated: 2025-04-28. Review status: criteria provided, single submitter. Criteria: Invitae Variant Classification Sherloc (09022015). Collection method: clinical testing. Allele origin: germline.

All of Us Research Program, National Institutes of Health
Classification: Likely benign for Lynch syndrome. Last evaluated: 2024-05-30. Review status: criteria provided, single submitter. Criteria: ACMG Guidelines, 2015. Collection method: clinical testing. Allele origin: germline. Inheritance: Autosomal dominant inheritance. Observed: 1 variant allele, 1 heterozygote.
Comment: This study involves interpretation of variants in research participants for the purpose of population health screening. Participant phenotype was not available at the time of variant classification. Additional details can be found in publication PMID: 35346344, PMCID: PMC8962531

Ambry Genetics
Classification: Likely benign for Hereditary cancer-predisposing syndrome. Last evaluated: 2020-02-27. Review status: criteria provided, single submitter. Criteria: Ambry Variant Classification Scheme 2023. Collection method: clinical testing. Allele origin: germline.